The following is an entry in ClinVar:

NM_001164508.2(NEB):c.23742+2T>C

Genes: NEB (nebulin; minus strand), RIF1 (replication timing regulatory factor 1; plus strand). Cytogenetic location: 2q23.3.
Variant type: single nucleotide variant.
Coding change: c.23742+2T>C on transcript NM_001164508.2 (MANE Select); the canonical splice donor site of the intron after coding-DNA position 23742, T replaced by C.
Molecular consequence: splice donor variant.
Genome position (GRCh38, 1-based): chr2:151,505,476, A>G on the plus strand (T>C on the coding strand, the complement: NEB is on the minus strand). VCF-style: chr2-151505476-A-G. GRCh37 (hg19) VCF-style: chr2-152361990-A-G.
Other names: c.18639+2T>C (NM_004543.5); c.23742+2T>C (NM_001164507.2); c.23847+2T>C (NM_001271208.2).
Identifiers: ClinVar variation 375408 (VCV000375408.28), dbSNP rs545937015, ClinGen allele CA1906270.
Genomic context (GRCh38, chr2:151,505,476, plus strand): 5'-ACCAGGGTAGCAATTGAGAGATGGCCAGTCACACAAATGGAAGCTGAGAGTATGGCCACT[A>G]CCGAGCTAATGTGCTTCTGCGTCTCCTTCACACGTTTCACTTCAGGCAGGTCAGGGATTG-3'

ClinVar aggregate classification (germline): Likely pathogenic. Review status: criteria provided, multiple submitters, no conflicts (2 of 4 stars). 12 submissions from 12 submitters: Likely pathogenic (10). 2 of the submissions do not count toward it. Last evaluated 2026-07-17.

Conditions:
Arthrogryposis multiplex congenita 6. Identifiers: MedGen C5543431, MONDO:0030281, OMIM 619334.
Nemaline myopathy 2 (NEM2). Also called: Nemaline myopathy 2, autosomal recessive. Identifiers: MedGen C1850569, MONDO:0009725, OMIM 256030.
NEB-related disorder. Also called: NEB-Related Disorders; NEB-related condition.
Nemaline myopathy. Also called: Myopathies, Nemaline. Identifiers: Orphanet 607, MedGen C0206157, MONDO:0018958.

Allele frequency attached by ClinVar (database versions not stated): ExAC 0.00002; gnomAD exomes 0.00003 and 0.00006; TOPMed 0.00003; gnomAD 0.00005 and 0.00006.
gnomAD v4.1: 103 of 1,612,912 alleles (0.0064%); highest among the groups gnomAD compares: Non-Finnish European, 0.0083%; no homozygotes.

Submissions (13):

GeneDx
Classification: Likely pathogenic. Last evaluated: 2026-07-17. Review status: criteria provided, single submitter. Criteria: GeneDx Variant Classification Process June 2021. Collection method: clinical testing. Allele origin: germline.
Comment: Reported as a single heterozygous variant in an individual undergoing preconception carrier screening (PMID: 29754767); Canonical splice site variant predicted to result in an in-frame loss of the adjacent exon in a gene for which loss of function is a known mechanism of disease; Deletions involving coding exons of this gene are a known mechanism of disease (HGMD); Not observed at significant frequency in large population cohorts (gnomAD); This variant is associated with the following publications: (PMID: 31589614, 29754767)

Labcorp Genetics (formerly Invitae), Labcorp
Classification: Likely pathogenic for Nemaline myopathy 2. Last evaluated: 2025-11-22. Review status: criteria provided, single submitter. Criteria: Invitae Variant Classification Sherloc (09022015). Collection method: clinical testing. Allele origin: germline.
Comment: This sequence change affects a donor splice site in intron 166 of the NEB gene. It is expected to disrupt RNA splicing. Variants that disrupt the donor or acceptor splice site typically lead to a loss of protein function (PMID: 16199547), and loss-of-function variants in NEB are known to be pathogenic (PMID: 25205138). This variant is present in population databases (rs545937015, gnomAD 0.008%). This variant has not been reported in the literature in individuals affected with NEB-related conditions. ClinVar contains an entry for this variant (Variation ID: 375408). Algorithms developed to predict the effect of sequence changes on RNA splicing suggest that this variant may disrupt the consensus splice site. In summary, the currently available evidence indicates that the variant is pathogenic, but additional data are needed to prove that conclusively. Therefore, this variant has been classified as Likely Pathogenic.

Women's Health and Genetics/Laboratory Corporation of America, LabCorp
Classification: Likely pathogenic for Nemaline myopathy. Last evaluated: 2025-05-29. Review status: criteria provided, single submitter. Criteria: LabCorp Variant Classification Summary - May 2015. Collection method: clinical testing. Allele origin: germline.
Comment: Variant summary: NEB c.23847+2T>C is located in a canonical splice-site and is predicted to affect mRNA splicing resulting in a significantly altered protein due to either exon skipping, shortening, or inclusion of intronic material. Variants that disrupt the consensus splice site are a relatively common cause of aberrant splicing and loss of NEB function. Several computational tools predict a significant impact on normal splicing: Two predict the variant abolishes a canonical 5' splicing donor site. However, these predictions have yet to be confirmed by functional studies. The variant allele was found at a frequency of 2.8e-05 in 249022 control chromosomes. To our knowledge, no occurrence of c.23847+2T>C in individuals affected with Nemaline Myopathy 2 and no experimental evidence demonstrating its impact on protein function have been reported. ClinVar contains an entry for this variant (Variation ID: 375408). Based on the evidence outlined above, the variant was classified as likely pathogenic.

Broad Center for Mendelian Genomics, Broad Institute of MIT and Harvard
Classification: Likely pathogenic for Nemaline myopathy. Last evaluated: 2025-02-28. Review status: criteria provided, single submitter. Criteria: ACMG Guidelines, 2015. Collection method: curation. Allele origin: germline. Inheritance: Autosomal recessive inheritance.
Comment: The c.23742+2T>C variant in NEB has not been previously reported in the literature in individuals with nemaline myopathy, but has been identified in 0.008% (98/1179056) of European (non-Finnish) chromosomes by the Genome Aggregation Database (gnomAD; dbSNP ID: rs545937015). Although this variant has been seen in the general population in a heterozygous state, its frequency is low enough to be consistent with a recessive carrier frequency. This variant has also been reported in ClinVar (Variation ID: 375408) and has been interpreted as likely pathogenic by Knight Diagnostic Laboratories (Oregon Health and Sciences University), Invitae, PerkinElmer Genomics, and Natera Inc., and as a variant of uncertain significance by the Laboratory for Molecular Medicine (Mass General Brigham Personalized Medicine). This variant is located in the 5' splice region. Computational tools predict a splicing impact, though this information is not predictive enough to determine pathogenicity. Loss of function of the NEB gene is an established disease mechanism in autosomal recessive nemaline myopathy. In summary, although additional studies are required to fully establish its clinical significance, this variant is likely pathogenic for autosomal recessive nemaline myopathy. ACMG/AMP Criteria applied: PVS1, PM2_supporting (Richards 2015).

Fulgent Genetics
Classification: Likely pathogenic for Nemaline myopathy 2; Arthrogryposis multiplex congenita 6. Last evaluated: 2024-04-22. Review status: criteria provided, single submitter. Criteria: ACMG Guidelines, 2015. Collection method: clinical testing. Allele origin: germline.

Baylor Genetics
Classification: Likely pathogenic for Arthrogryposis multiplex congenita 6. Last evaluated: 2024-02-26. Review status: criteria provided, single submitter. Criteria: ACMG Guidelines, 2015. Collection method: clinical testing. Allele origin: unknown.

Department of Pathology and Laboratory Medicine, Sinai Health System
Classification: Likely pathogenic for Arthrogryposis multiplex congenita 6; Nemaline myopathy 2. Last evaluated: 2022-07-04. Review status: criteria provided, single submitter. Criteria: ACMG Guidelines, 2015. Collection method: research. Allele origin: germline.

Blueprint Genetics
Classification: Likely pathogenic for NEB-related disorders. Last evaluated: 2021-09-21. Review status: criteria provided, single submitter. Criteria: ACMG Guidelines, 2015. Collection method: clinical testing. Allele origin: germline. Affected: yes. Observed: 3 variant alleles.

Revvity Omics, Revvity
Classification: Likely pathogenic. Last evaluated: 2019-11-24. Review status: criteria provided, single submitter. Criteria: ACMG Guidelines, 2015. Collection method: clinical testing. Allele origin: germline.

Knight Diagnostic Laboratories, Oregon Health and Sciences University
Classification: Likely pathogenic for Nemaline myopathy 2. Last evaluated: 2016-06-27. Review status: criteria provided, single submitter. Criteria: ACMG Guidelines, 2015. Collection method: clinical testing. Allele origin: germline. Affected: no. Study: CSER-NextGen.
Comment: The c.23847+2T>C splice variant in the NEB gene has not been previously reported in patients and this variant is absent (1000 Genomes; Exome Sequencing Project) or reported at low frequency in the population databases (ExAC = 0.01%; only 2 alleles). Splice-site, nonsense, and frameshift variants have been described in the NEB gene in multiple affected individuals (including nonsense and frameshift variants downstream of this variant) and thus, loss of function is a known mechanism of disease (GeneReviews: North and Ryan, 2015). Multiple in silico algorithms show high evolutionary conservation (CADD = 18.14; GERP=5.48), and in silico splicing algorithms predict this variant will cause altered splicing (Human Splice Finder=Broken WT Donor Site; SPIDEX=-3.228). Therefore, this collective evidence supports the classification of the c.23847+2T>C variant as a Likely pathogenic variant for Nemaline Myopathy 2. We have confirmed this finding in our laboratory using Sanger sequencing.

Natera, Inc.
Classification: Likely pathogenic for Nemaline myopathy type 2. Last evaluated: 2020-09-16. Review status: no assertion criteria provided. Collection method: clinical testing. Allele origin: germline. Not counted in ClinVar's aggregate classification.

Dr. Peter K. Rogan Lab, Western University
No classification provided (evidence only). Condition: Sarcoma. Review status: no classification provided. Collection method: in vitro. Allele origin: not applicable. Functional consequence: retained intron. Not counted in ClinVar's aggregate classification.

Laboratory for Molecular Medicine, Mass General Brigham Personalized Medicine
Classification: Uncertain significance. Last evaluated: 2019-07-25. Review status: flagged submission. Criteria: LMM Criteria. Collection method: clinical testing. Allele origin: germline. Observed: 1 variant allele. Not counted in ClinVar's aggregate classification.
Comment: Variant classified as Uncertain Significance - Favor Pathogenic. The c.23847+2T>C variant in NEB has not been previously reported in individuals with myopathy but has been identified in 0.008% (10/128308) of European chromosomes by gnomAD. This variant has been reported in ClinVar (Variation ID: 375408). This variant occurs within the canonical splice site (+/- 1,2), but splicing predictors do not predict a significant change in splicing and the exons surrounding this variant are in-frame. In summary, while there is some suspicion for a pathogenic role, the clinical significance of this variant is uncertain. ACMG/AMP Criteria applied: PVS1_Moderate, PMS2
ClinVar note: Reason: Outlier claim with insufficient supporting evidence

Literature cited by the submitters: PubMed 16199547 (cited by Labcorp Genetics (formerly Invitae), Labcorp); PubMed 25205138 (cited by Labcorp Genetics (formerly Invitae), Labcorp); PubMed 29754767 (cited by Laboratory for Molecular Medicine, Mass General Brigham Personalized Medicine).